The following is an entry in ClinVar:

ClinVar aggregate classification (germline): Uncertain significance (1 of 4 stars; one submission).

Submission:

Labcorp Genetics (formerly Invitae), Labcorp
Classification: Uncertain significance. Last evaluated: 2024-02-23. Review status: criteria provided, single submitter. Criteria: Invitae Variant Classification Sherloc (09022015). Collection method: clinical testing. Allele origin: germline.
Comment: This sequence change replaces isoleucine, which is neutral and non-polar, with valine, which is neutral and non-polar, at codon 168 of the LAT protein (p.Ile168Val). This variant is not present in population databases (gnomAD no frequency). This variant has not been reported in the literature in individuals affected with LAT-related conditions. An algorithm developed to predict the effect of missense changes on protein structure and function (PolyPhen-2) suggests that this variant is likely to be tolerated. In summary, the available evidence is currently insufficient to determine the role of this variant in disease. Therefore, it has been classified as a Variant of Uncertain Significance.

NM_001014987.2(LAT):c.502A>G (p.Ile168Val)

Gene: LAT (linker for activation of T cells; plus strand). Cytogenetic location: 16p11.2.
Variant type: single nucleotide variant.
Coding change: c.502A>G on transcript NM_001014987.2 (MANE Select); coding-DNA position 502, A replaced by G.
Protein change: p.Ile168Val; replaces isoleucine 168 with valine.
Molecular consequence: missense variant.
Genome position (GRCh38, 1-based): chr16:28,989,535, A>G. VCF-style: chr16-28989535-A-G. GRCh37 (hg19) VCF-style: chr16-29000856-A-G.
Other names: c.499A>G, p.Ile167Val (NM_001014988.2); c.610A>G, p.Ile204Val (NM_001014989.2); c.589A>G, p.Ile197Val (NM_014387.4); short protein forms I167V, I168V, I197V, I204V.
Identifiers: ClinVar variation 3603596 (VCV003603596.2).